The following is an entry in ClinVar:

ClinVar aggregate classification (germline): Conflicting classifications of pathogenicity. Review status: criteria provided, conflicting classifications (1 of 4 stars). 2 submissions from 2 submitters: Uncertain significance (1); Likely benign (1). Last evaluated 2025-02-01.

Allele frequency attached by ClinVar (database versions not stated): gnomAD exomes 0.00001; gnomAD 0.00003.
gnomAD v4.1: 13 of 1,599,268 alleles (0.00081%); highest among the groups gnomAD compares: Middle Eastern, 0.017%; no homozygotes.

Submissions (2):

Labcorp Genetics (formerly Invitae), Labcorp
Classification: Likely benign. Last evaluated: 2025-02-01. Review status: criteria provided, single submitter. Criteria: Invitae Variant Classification Sherloc (09022015). Collection method: clinical testing. Allele origin: germline.

GeneDx
Classification: Uncertain significance. Last evaluated: 2022-05-04. Review status: criteria provided, single submitter. Criteria: GeneDx Variant Classification Process June 2021. Collection method: clinical testing. Allele origin: germline. Affected: yes.
Comment: Not observed at significant frequency in large population cohorts (gnomAD); In silico analysis supports that this variant does not alter splicing; Has not been previously published as pathogenic or benign to our knowledge

NM_001017995.3(SH3PXD2B):c.45G>A (p.Val15=)

Gene: SH3PXD2B (SH3 and PX domains 2B; minus strand). Cytogenetic location: 5q35.1.
Variant type: single nucleotide variant.
Coding change: c.45G>A on transcript NM_001017995.3 (MANE Select); coding-DNA position 45, G replaced by A.
Protein change: p.Val15=; no amino-acid change (valine 15 retained).
Molecular consequence: synonymous variant.
Genome position (GRCh38, 1-based): chr5:172,454,308, C>T on the plus strand (G>A on the coding strand, the complement: SH3PXD2B is on the minus strand). VCF-style: chr5-172454308-C-T. GRCh37 (hg19) VCF-style: chr5-171881312-C-T.
Other names: c.45G>A, p.Val15= (NM_001308175.2).
Identifiers: ClinVar variation 1723043 (VCV001723043.7), dbSNP rs1201658186, ClinGen allele CA447824000.